The following is an entry in ClinVar:

NM_000094.4(COL7A1):c.8393T>A (p.Met2798Lys)

Gene: COL7A1 (collagen type VII alpha 1 chain; minus strand). Cytogenetic location: 3p21.31.
Variant type: single nucleotide variant.
Coding change: c.8393T>A on transcript NM_000094.4 (MANE Select); coding-DNA position 8393, T replaced by A.
Protein change: p.Met2798Lys; replaces methionine 2798 with lysine.
Molecular consequence: missense variant.
Genome position (GRCh38, 1-based): chr3:48,566,281, A>T on the plus strand (T>A on the coding strand, the complement: COL7A1 is on the minus strand). VCF-style: chr3-48566281-A-T. GRCh37 (hg19) VCF-style: chr3-48603714-A-T.
Other names: short protein forms M2798K.
Identifiers: ClinVar variation 17423 (VCV000017423.6), dbSNP rs121912828, ClinGen allele CA257933.

ClinVar aggregate classification (germline): Pathogenic/Likely pathogenic. Review status: criteria provided, multiple submitters, no conflicts (2 of 4 stars). 4 submissions from 4 submitters: Pathogenic (1); Likely pathogenic (2). 1 of the submissions does not count toward it. Last evaluated 2025-04-28.

Conditions:
Epidermolysis bullosa pruriginosa. Also called: DEB, PRURIGINOSA; DYSTROPHIC EPIDERMOLYSIS BULLOSA PRURIGINOSA. Identifiers: Orphanet 89843, MedGen C1275114, MONDO:0011398, OMIM 604129.
Recessive dystrophic epidermolysis bullosa (RDEB). Also called: epidermolysis bullosa dystrophica, autosomal recessive; DYSTROPHIC EPIDERMOLYSIS BULLOSA, AUTOSOMAL RECESSIVE; EPIDERMOLYSIS BULLOSA DYSTROPHICA, HALLOPEAU-SIEMENS TYPE; Recessive DEB (RDEB); Hallopeau-Siemens Disease; severe generalized recessive dystrophic epidermolysis bullosa. Identifiers: Orphanet 79408, Orphanet 79409, MedGen C0079474, MONDO:0009179, OMIM 226600.
Generalized dominant dystrophic epidermolysis bullosa (DDEB). Also called: DDEB, generalized; DDEB-gen; Dominant DEB (DDEB); DYSTROPHIC EPIDERMOLYSIS BULLOSA, AUTOSOMAL DOMINANT; Epidermolysis bullosa dystrophica, autosomal dominant. Identifiers: Orphanet 231568, MedGen C0432322, MONDO:0007549, OMIM 131750.
Transient bullous dermolysis of the newborn (TBDN). Also called: DYSTROPHIC EPIDERMOLYSIS BULLOSA, NEONATAL; EPIDERMOLYSIS BULLOSA DYSTROPHICA, NEONATAL FORM. Identifiers: Orphanet 79411, MedGen C1851573, MONDO:0007548, OMIM 131705.
Nonsyndromic congenital nail disorder 8. Also called: TOENAIL DYSTROPHY, ISOLATED. Identifiers: MedGen C1843761, MONDO:0011852, OMIM 607523.
Dominant dystrophic epidermolysis bullosa with absence of skin. Also called: EPIDERMOLYSIS BULLOSA WITH CONGENITAL LOCALIZED ABSENCE OF SKIN AND DEFORMITY OF NAILS; EPIDERMOLYSIS BULLOSA DYSTROPHICA, BART TYPE. Identifiers: MedGen C0268371, MONDO:0007557, OMIM 132000.
Pretibial dystrophic epidermolysis bullosa. Also called: EPIDERMOLYSIS BULLOSA DYSTROPHICA, PRETIBIAL; Pretibial epidermolysis bullosa; Pretibial blistering. Identifiers: Orphanet 79410, MedGen C0432321, MONDO:0007552, OMIM 131850, HP:0012221.

Allele frequency attached by ClinVar (database versions not stated): gnomAD 0.00001; TOPMed 0.00001.
gnomAD v4.1: 1 of 1,602,404 alleles (0.000062%); highest among the groups gnomAD compares: African/African-American, 0.0013%; no homozygotes.

Submissions (4):

Labcorp Genetics (formerly Invitae), Labcorp
Classification: Pathogenic. Last evaluated: 2025-04-28. Review status: criteria provided, single submitter. Criteria: Invitae Variant Classification Sherloc (09022015). Collection method: clinical testing. Allele origin: germline.
Comment: This sequence change replaces methionine, which is neutral and non-polar, with lysine, which is basic and polar, at codon 2798 of the COL7A1 protein (p.Met2798Lys). This variant is not present in population databases (gnomAD no frequency). This missense change has been observed in individual(s) with autosomal recessive dystrophic epidermolysis bullosa (PMID: 8513326). It has also been observed to segregate with disease in related individuals. ClinVar contains an entry for this variant (Variation ID: 17423). Invitae Evidence Modeling of protein sequence and biophysical properties (such as structural, functional, and spatial information, amino acid conservation, physicochemical variation, residue mobility, and thermodynamic stability) has been performed for this missense variant. However, the output from this modeling did not meet the statistical confidence thresholds required to predict the impact of this variant on COL7A1 protein function. This variant disrupts the p.Met2798 amino acid residue in COL7A1. Other variant(s) that disrupt this residue have been determined to be pathogenic (PMID: 34435747). This suggests that this residue is clinically significant, and that variants that disrupt this residue are likely to be disease-causing. For these reasons, this variant has been classified as Pathogenic.

Fulgent Genetics
Classification: Likely pathogenic for Transient bullous dermolysis of the newborn; Generalized dominant dystrophic epidermolysis bullosa; Pretibial dystrophic epidermolysis bullosa; Dominant dystrophic epidermolysis bullosa with absence of skin; Recessive dystrophic epidermolysis bullosa; Epidermolysis bullosa pruriginosa; Nonsyndromic congenital nail disorder 8. Last evaluated: 2024-04-05. Review status: criteria provided, single submitter. Criteria: ACMG Guidelines, 2015. Collection method: clinical testing. Allele origin: germline.

Women's Health and Genetics/Laboratory Corporation of America, LabCorp
Classification: Likely pathogenic for Dystrophic Epidermolysis Bullosa, Recessive. Last evaluated: 2024-04-03. Review status: criteria provided, single submitter. Criteria: LabCorp Variant Classification Summary - May 2015. Collection method: clinical testing. Allele origin: germline.
Comment: Variant summary: COL7A1 c.8393T>A (p.Met2798Lys) results in a non-conservative amino acid change in the encoded protein sequence. Four of five in-silico tools predict a damaging effect of the variant on protein function. The variant was absent in 230376 control chromosomes. c.8393T>A has been reported in the literature in individuals affected with Dystrophic Epidermolysis Bullosa, Recessive (Christiano_1993). These data indicate that the variant is likely to be associated with disease. To our knowledge, no experimental evidence demonstrating an impact on protein function has been reported. The following publication have been ascertained in the context of this evaluation (PMID: 8513326). ClinVar contains an entry for this variant (Variation ID: 17423). Based on the evidence outlined above, the variant was classified as likely pathogenic.

OMIM
Classification: Pathogenic for EPIDERMOLYSIS BULLOSA DYSTROPHICA, AUTOSOMAL RECESSIVE. Last evaluated: 1993-05-01. Review status: no assertion criteria provided. Collection method: literature only. Allele origin: germline. Not counted in ClinVar's aggregate classification.

Literature cited by the submitters: PubMed 8513326 (cited by 3 submitters); PubMed 34435747 (cited by Labcorp Genetics (formerly Invitae), Labcorp).